The following is an entry in ClinVar:

NM_001369.3(DNAH5):c.1503T>C (p.Ile501=)

Gene: DNAH5 (dynein axonemal heavy chain 5; minus strand). Cytogenetic location: 5p15.2.
Variant type: single nucleotide variant.
Coding change: c.1503T>C on transcript NM_001369.3 (MANE Select); coding-DNA position 1503, T replaced by C.
Protein change: p.Ile501=; no amino-acid change (isoleucine 501 retained).
Molecular consequence: synonymous variant.
Genome position (GRCh38, 1-based): chr5:13,913,776, A>G on the plus strand (T>C on the coding strand, the complement: DNAH5 is on the minus strand). VCF-style: chr5-13913776-A-G. GRCh37 (hg19) VCF-style: chr5-13913885-A-G.
Other names: p.Ile501=.
Identifiers: ClinVar variation 163158 (VCV000163158.42), dbSNP rs3213936, ClinGen allele CA175809.

ClinVar aggregate classification (germline): Benign/Likely benign. Review status: criteria provided, multiple submitters, no conflicts (2 of 4 stars). 13 submissions from 13 submitters: Benign (9); Likely benign (1). 3 of the submissions do not count toward it. Last evaluated 2026-02-04.

Conditions:
Primary ciliary dyskinesia. Also called: Ciliary dyskinesia. Identifiers: Orphanet 244, MedGen C0008780, MONDO:0016575, HP:0012265.
Primary ciliary dyskinesia 3. Identifiers: Orphanet 244, MedGen C1837618, MONDO:0012085, OMIM 608644.

Allele frequency attached by ClinVar (database versions not stated): gnomAD exomes 0.39047 and 0.42107; ExAC 0.42202; ESP Exome Variant Server 0.42965; gnomAD 0.43495 and 0.43807; TOPMed 0.45086; 1000 Genomes Project 30x 0.52311; 1000 Genomes Project 0.52875.
gnomAD v4.1: 638,064 of 1,612,792 alleles (40%); highest among the groups gnomAD compares: East Asian, 84%; 132,613 homozygotes.

Submissions (13):

Labcorp Genetics (formerly Invitae), Labcorp
Classification: Benign for Primary ciliary dyskinesia. Last evaluated: 2026-02-04. Review status: criteria provided, single submitter. Criteria: Invitae Variant Classification Sherloc (09022015). Collection method: clinical testing. Allele origin: germline.

Blueprint Genetics
Classification: Likely benign. Last evaluated: 2024-11-26. Review status: criteria provided, single submitter. Criteria: ACMG Guidelines, 2015. Collection method: clinical testing. Allele origin: germline.

Mayo Clinic Laboratories, Mayo Clinic
Classification: Benign. Last evaluated: 2022-04-26. Review status: criteria provided, single submitter. Criteria: ACMG Guidelines, 2015. Collection method: clinical testing. Allele origin: germline. Observed: 139 variant alleles.

Pars Genome Lab
Classification: Benign for Primary ciliary dyskinesia 3. Last evaluated: 2021-06-15. Review status: criteria provided, single submitter. Criteria: ACMG Guidelines, 2015. Collection method: clinical testing. Allele origin: germline. Affected: no.

GeneDx
Classification: Benign. Last evaluated: 2018-11-10. Review status: criteria provided, single submitter. Criteria: GeneDx Variant Classification Process June 2021. Collection method: clinical testing. Allele origin: germline. Affected: yes.

Illumina Laboratory Services, Illumina
Classification: Benign for Primary ciliary dyskinesia 3. Last evaluated: 2018-01-13. Review status: criteria provided, single submitter. Criteria: ICSL Variant Classification Criteria 13 December 2019. Collection method: clinical testing. Allele origin: germline.
Comment: This variant was observed in the ICSL laboratory as part of a predisposition screen in an ostensibly healthy population. It had not been previously curated by ICSL or reported in the Human Gene Mutation Database (HGMD: prior to June 1st, 2018), and was therefore a candidate for classification through an automated scoring system. Utilizing variant allele frequency, disease prevalence and penetrance estimates, and inheritance mode, an automated score was calculated to assess if this variant is too frequent to cause the disease. Based on the score and internal cut-off values, a variant classified as benign is not then subjected to further curation. The score for this variant resulted in a classification of benign for this disease.

Ambry Genetics
Classification: Benign for Primary ciliary dyskinesia. Last evaluated: 2014-11-26. Review status: criteria provided, single submitter. Criteria: Ambry Variant Classification Scheme 2023. Collection method: clinical testing. Allele origin: germline.

Laboratory for Molecular Medicine, Mass General Brigham Personalized Medicine
Classification: Benign. Last evaluated: 2013-02-21. Review status: criteria provided, single submitter. Criteria: LMM Criteria. Collection method: clinical testing. Allele origin: germline. Observed: 59 variant alleles.
Comment: Ile501Ile in exon 11 of DNAH5: This variant is not expected to have clinical sig nificance because it does not alter an amino acid residue and is not located wit hin the splice consensus sequence. It has been identified in 47.1% (2076/4406) o f African American chromosomes from a broad population by the NHLBI Exome Sequen cing Project (dbSNP rs3213936).

Breakthrough Genomics
Classification: Benign. Review status: criteria provided, single submitter. Criteria: ACMG Guidelines, 2015. Collection method: not provided. Allele origin: germline. Inheritance: Autosomal recessive inheritance. Affected: yes.

PreventionGenetics, part of Exact Sciences
Classification: Benign. Review status: criteria provided, single submitter. Criteria: ACMG Guidelines, 2015. Collection method: clinical testing. Allele origin: germline.

Natera, Inc.
Classification: Benign for Primary ciliary dyskinesia. Last evaluated: 2020-09-16. Review status: no assertion criteria provided. Collection method: clinical testing. Allele origin: germline. Not counted in ClinVar's aggregate classification.

Clinical Genetics DNA and cytogenetics Diagnostics Lab, Erasmus MC, Erasmus Medical Center
Classification: Benign. Review status: no assertion criteria provided. Collection method: clinical testing. Allele origin: germline. Affected: yes. Study: VKGL Data-share Consensus. Not counted in ClinVar's aggregate classification.

Diagnostic Laboratory, Department of Genetics, University Medical Center Groningen
Classification: Benign. Review status: no assertion criteria provided. Collection method: clinical testing. Allele origin: germline. Affected: yes. Study: VKGL Data-share Consensus. Not counted in ClinVar's aggregate classification.